The following is an entry in ClinVar:

NM_001098816.3(TENM4):c.6323A>G (p.Tyr2108Cys)

Gene: TENM4 (teneurin transmembrane protein 4; minus strand). Cytogenetic location: 11q14.1.
Variant type: single nucleotide variant.
Coding change: c.6323A>G on transcript NM_001098816.3 (MANE Select); coding-DNA position 6323, A replaced by G.
Protein change: p.Tyr2108Cys; replaces tyrosine 2108 with cysteine.
Molecular consequence: missense variant.
Genome position (GRCh38, 1-based): chr11:78,670,022, T>C on the plus strand (A>G on the coding strand, the complement: TENM4 is on the minus strand). VCF-style: chr11-78670022-T-C. GRCh37 (hg19) VCF-style: chr11-78381067-T-C.
Other names: p.Tyr2108Cys; short protein forms Y2108C.
Identifiers: ClinVar variation 986196 (VCV000986196.29), dbSNP rs199597334, ClinGen allele CA6206430.

ClinVar aggregate classification (germline): Uncertain significance. Review status: criteria provided, multiple submitters, no conflicts (2 of 4 stars). 5 submissions from 5 submitters: Uncertain significance (5). Last evaluated 2025-03-19.

Conditions:
TENM4-related disorder. Also called: TENM4-related condition.
Tremor, hereditary essential, 5 (ETM5). Identifiers: MedGen C4225223, MONDO:0014756, OMIM 616736.
Inborn genetic diseases. Identifiers: MedGen C0950123, MeSH D030342.

Allele frequency attached by ClinVar (database versions not stated): ESP Exome Variant Server 0.00008; gnomAD 0.00014 and 0.00015; gnomAD exomes 0.00016 and 0.00023; TOPMed 0.00024; ExAC 0.00027.
gnomAD v4.1: 267 of 1,613,862 alleles (0.017%); highest among the groups gnomAD compares: Middle Eastern, 0.15%; 4 homozygotes.

Submissions (5):

PreventionGenetics, part of Exact Sciences
Classification: Uncertain significance for TENM4-related condition. Last evaluated: 2025-03-19. Review status: criteria provided, single submitter. Criteria: ACMG Guidelines, 2015. Collection method: clinical testing. Allele origin: germline.
Comment: The TENM4 c.6323A>G variant is predicted to result in the amino acid substitution p.Tyr2108Cys. To our knowledge, this variant has not been reported in the literature. This variant is reported in 0.059% of alleles in individuals of South Asian descent in gnomAD. Although we suspect that this variant may be benign, at this time, the clinical significance of this variant is uncertain due to the absence of conclusive functional and genetic evidence.

CeGaT Center for Human Genetics Tuebingen
Classification: Uncertain significance. Last evaluated: 2024-08-01. Review status: criteria provided, single submitter. Criteria: CeGaT Center For Human Genetics Tuebingen Variant Classification Criteria Version 2. Collection method: clinical testing. Allele origin: germline. Affected: yes. Observed: 2 variant alleles.
Comment: TENM4: PP3

Mayo Clinic Laboratories, Mayo Clinic
Classification: Uncertain significance. Last evaluated: 2024-03-18. Review status: criteria provided, single submitter. Criteria: ACMG Guidelines, 2015. Collection method: clinical testing. Allele origin: germline. Observed: 1 variant allele.
Comment: BS2, PP3

Revvity Omics, Revvity
Classification: Uncertain significance for Tremor, hereditary essential, 5. Last evaluated: 2023-03-27. Review status: criteria provided, single submitter. Criteria: ACMG Guidelines, 2015. Collection method: clinical testing. Allele origin: germline.

Ambry Genetics
Classification: Uncertain significance for Inborn genetic diseases. Last evaluated: 2019-06-03. Review status: criteria provided, single submitter. Criteria: Ambry exome assertion method (8-5-2015). Collection method: clinical testing. Allele origin: germline. Affected: yes. Observed: 1 variant allele.